The following is an entry in ClinVar:

NM_001037333.3(CYFIP2):c.2102_2105del (p.Phe701fs)

Gene: CYFIP2 (cytoplasmic FMR1 interacting protein 2; plus strand). Cytogenetic location: 5q33.3.
Variant type: Deletion.
Coding change: c.2102_2105del on transcript NM_001037333.3 (MANE Select); coding-DNA positions 2102 to 2105, 4 bases deleted (TTGT; older notation c.2102_2105delTTGT).
Protein change: p.Phe701fs; shifts the reading frame from phenylalanine 701.
Molecular consequence: frameshift variant.
Genome position (GRCh38, 1-based): chr5:157,327,995-157,327,998, TTGT deleted; deleting any 4 consecutive bases within chr5:157,327,993-157,327,998 gives the same sequence; the c. name uses the placement nearest the transcript's 3' end. VCF-style (leftmost placement, unchanged base first): chr5-157327992-AGTTT-A. GRCh37 (hg19) VCF-style: chr5-156755000-AGTTT-A.
Other names: c.2024_2027del, p.Phe675fs (NM_001291721.2); c.2177_2180del, p.Phe726fs (NM_001291722.2); c.2102_2105del, p.Phe701fs (NM_014376.4); short protein forms F675fs, F701fs, F726fs.
Identifiers: ClinVar variation 3903056 (VCV003903056.1).

ClinVar aggregate classification (germline): Uncertain significance (1 of 4 stars; one submission).

Submission:

GeneDx
Classification: Uncertain significance. Last evaluated: 2024-12-16. Review status: criteria provided, single submitter. Criteria: GeneDx Variant Classification Process June 2021. Collection method: clinical testing. Allele origin: germline. Affected: yes.
Comment: Not observed at significant frequency in large population cohorts (gnomAD); Has not been previously published as pathogenic or benign to our knowledge; Frameshift variant predicted to result in protein truncation or nonsense mediated decay in a gene for which loss-of-function is not an established mechanism of disease